The following is an entry in ClinVar:

NM_052872.4(IL17F):c.254+1G>T

Gene: IL17F (interleukin 17F; minus strand). Cytogenetic location: 6p12.2.
Variant type: single nucleotide variant.
Coding change: c.254+1G>T on transcript NM_052872.4 (MANE Select); the canonical splice donor site of the intron after coding-DNA position 254, G replaced by T.
Molecular consequence: splice donor variant.
Genome position (GRCh38, 1-based): chr6:52,238,729, C>A on the plus strand (G>T on the coding strand, the complement: IL17F is on the minus strand). VCF-style: chr6-52238729-C-A. GRCh37 (hg19) VCF-style: chr6-52103527-C-A.
Identifiers: ClinVar variation 225391 (VCV000225391.20), dbSNP rs117796773, ClinGen allele CA3854410.

ClinVar aggregate classification (germline): Conflicting classifications of pathogenicity. Review status: criteria provided, conflicting classifications (1 of 4 stars). 6 submissions from 6 submitters: Uncertain significance (1); Benign (1); Likely benign (2). 2 of the submissions do not count toward it. Last evaluated 2026-01-18.

Conditions:
Candidiasis, familial, 6 (CANDF6). Also called: Candidiasis, familial, 6, autosomal dominant. Identifiers: Orphanet 1334, MedGen C3151405, MONDO:0013503, OMIM 613956.

Allele frequency attached by ClinVar (database versions not stated): gnomAD 0.00070; TOPMed 0.00181; 1000 Genomes Project 0.00359; 1000 Genomes Project 30x 0.00359.
gnomAD v4.1: 865 of 1,611,986 alleles (0.054%); highest among the groups gnomAD compares: East Asian, 1.1%; 9 homozygotes.

Submissions (9):

Labcorp Genetics (formerly Invitae), Labcorp
Classification: Benign for Candidiasis, familial, 6. Last evaluated: 2026-01-18. Review status: criteria provided, single submitter. Criteria: Invitae Variant Classification Sherloc (09022015). Collection method: clinical testing. Allele origin: germline.

Blueprint Genetics
Classification: Likely benign. Last evaluated: 2024-11-11. Review status: criteria provided, single submitter. Criteria: ACMG Guidelines, 2015. Collection method: clinical testing. Allele origin: germline.

Illumina Laboratory Services, Illumina
Classification: Likely benign for Candidiasis, familial, 6. Last evaluated: 2018-04-13. Review status: criteria provided, single submitter. Criteria: ICSL Variant Classification Criteria 13 December 2019. Collection method: clinical testing. Allele origin: germline.
Comment: This variant was observed as part of a predisposition screen in an ostensibly healthy population. A literature search was performed for the gene, cDNA change, and amino acid change (where applicable). No publications were found based on this search. Allele frequency data from public databases allowed determination this variant is unlikely to cause disease. Therefore, this variant is classified as likely benign.

Soonchunhyang University Bucheon Hospital, Soonchunhyang University Medical Center
Classification: Uncertain significance for Candidiasis, familial, 6. Last evaluated: 2016-03-18. Review status: criteria provided, single submitter. Criteria: ACMG Guidelines, 2015. Collection method: reference population. Allele origin: germline. Observed: 1 variant allele.

Clinical Genetics DNA and cytogenetics Diagnostics Lab, Erasmus MC, Erasmus Medical Center
Classification: Uncertain significance. Review status: no assertion criteria provided. Collection method: clinical testing. Allele origin: germline. Affected: yes. Study: VKGL Data-share Consensus. Not counted in ClinVar's aggregate classification.

Dr. Peter K. Rogan Lab, Western University
No classification provided (evidence only). Condition: Gastric cancer. Review status: no classification provided. Collection method: in vitro. Allele origin: not applicable. Functional consequence: retained intron. Not counted in ClinVar's aggregate classification.

Dr. Peter K. Rogan Lab, Western University
No classification provided (evidence only). Condition: Gastric cancer. Review status: no classification provided. Collection method: in vitro. Allele origin: not applicable. Functional consequence: retained intron. Not counted in ClinVar's aggregate classification.

Dr. Peter K. Rogan Lab, Western University
No classification provided (evidence only). Condition: Familial pancreatic carcinoma. Review status: no classification provided. Collection method: in vitro. Allele origin: not applicable. Functional consequence: retained intron. Not counted in ClinVar's aggregate classification.

Genome Diagnostics Laboratory, Amsterdam University Medical Center
Classification: Uncertain significance. Review status: no assertion criteria provided. Collection method: clinical testing. Allele origin: germline. Affected: yes. Study: VKGL Data-share Consensus. Not counted in ClinVar's aggregate classification.

Literature cited by the submitters: PubMed 21350122 (cited by Soonchunhyang University Bucheon Hospital, Soonchunhyang University Medical Center).